The following is an entry in ClinVar:

NM_006593.4(TBR1):c.1652del (p.Pro551fs)

Gene: TBR1 (T-box brain transcription factor 1; plus strand). Cytogenetic location: 2q24.2.
Variant type: Deletion.
Coding change: c.1652del on transcript NM_006593.4 (MANE Select); coding-DNA position 1652, one base deleted (C; older notation c.1652delC).
Protein change: p.Pro551fs; shifts the reading frame from proline 551.
Molecular consequence: frameshift variant.
Genome position (GRCh38, 1-based): chr2:161,423,830, C deleted; the last of 5 consecutive C bases (chr2:161,423,826-161,423,830); deleting any one gives the same sequence. VCF-style (leftmost placement, unchanged base first): chr2-161423825-TC-T. GRCh37 (hg19) VCF-style: chr2-162280336-TC-T.
Other names: short protein forms P551fs.
Identifiers: ClinVar variation 4818974 (VCV004818974.1).

ClinVar aggregate classification (germline): Likely pathogenic (1 of 4 stars; one submission).

Conditions:
Intellectual developmental disorder with autism and speech delay. Also called: Autism, susceptibility to, 5; Autism 5; AUTISM-RELATED SPEECH DELAY; PHRASE SPEECH DELAY, AUTISM-RELATED; AUTS5. Identifiers: MedGen C1853755, MONDO:0011627, OMIM 606053.

Submission:

Victorian Clinical Genetics Services, Murdoch Childrens Research Institute
Classification: Likely pathogenic for Intellectual developmental disorder with autism and speech delay. Last evaluated: 2025-12-04. Review status: criteria provided, single submitter. Criteria: ACMG Guidelines, 2015. Collection method: clinical testing. Allele origin: germline. Affected: yes.
Comment: This variant is classified as Likely pathogenic. Evidence in support of pathogenic classification: Variant is predicted to result in an elongated protein; Variant is absent from gnomAD (v2, v3 and v4); Additional information: This variant is heterozygous; This gene is associated with autosomal dominant disease; This variant has no previous evidence of pathogenicity; No published evidence of segregation with disease has been identified for this variant; No published functional evidence has been identified for this variant; No comparable elongation variants have previous evidence for pathogenicity; Variant affects the annotated T-box associated domains (DECIHER); Loss of function is a known mechanism of disease in this gene and is associated with intellectual developmental disorder with autism and speech delay (MIM#606053). Dominant negative has also been suggested as a mechanism of disease for missense variants (PMID: 25232744).

Literature cited by the submitters: PubMed 25232744.